The following is an entry in ClinVar:

NC_000005.9:g.(?_37238939)_(37314450_?)dup

Genes: CPLANE1 (ciliogenesis and planar polarity effector complex subunit 1; minus strand), NUP155 (nucleoporin 155; minus strand). Cytogenetic location: 5p13.2.
Variant type: Duplication.
Identifiers: ClinVar variation 1441353 (VCV001441353.4).

ClinVar aggregate classification (germline): Uncertain significance (1 of 4 stars; one submission).

Submission:

Labcorp Genetics (formerly Invitae), Labcorp
Classification: Uncertain significance. Last evaluated: 2022-08-19. Review status: criteria provided, single submitter. Criteria: Invitae Variant Classification Sherloc (09022015). Collection method: clinical testing. Allele origin: germline.
Comment: This variant results in a copy number gain of the genomic region encompassing exon(s) 1-8 of the CPLANE1 gene. This region includes the initiator codon of the gene. This copy number gain extends beyond the assayed region for this gene and therefore may encompass additional genes. As the precise location of this event is unknown, it may be in tandem or it may be located elsewhere in the genome. This variant has not been reported in the literature in individuals affected with CPLANE1-related conditions. Experimental studies and prediction algorithms are not available or were not evaluated, and the functional significance of this variant is currently unknown. In summary, the available evidence is currently insufficient to determine the role of this variant in disease. Therefore, it has been classified as a Variant of Uncertain Significance.